The following is an entry in ClinVar:

ClinVar aggregate classification (germline): Uncertain significance (1 of 4 stars; one submission).

Conditions:
Early Myoclonic Encephalopathy. Identifiers: MedGen C0270855.

Submission:

Labcorp Genetics (formerly Invitae), Labcorp
Classification: Uncertain significance for Early Myoclonic Encephalopathy. Last evaluated: 2022-03-19. Review status: criteria provided, single submitter. Criteria: Invitae Variant Classification Sherloc (09022015). Collection method: clinical testing. Allele origin: germline.
Comment: Experimental studies and prediction algorithms are not available or were not evaluated, and the functional significance of this variant is currently unknown. In summary, the available evidence is currently insufficient to determine the role of this variant in disease. Therefore, it has been classified as a Variant of Uncertain Significance. ClinVar contains an entry for this variant (Variation ID: 836627). This variant has not been reported in the literature in individuals affected with JMJD1C-related conditions. This variant is present in population databases (no rsID available, gnomAD 0.003%). This variant, c.980_982del, results in the deletion of 1 amino acid(s) of the JMJD1C protein (p.Met327del), but otherwise preserves the integrity of the reading frame.

NM_032776.3(JMJD1C):c.980_982del (p.Met327del)

Gene: JMJD1C (jumonji domain containing 1C; minus strand). Cytogenetic location: 10q21.3.
Variant type: Deletion.
Coding change: c.980_982del on transcript NM_032776.3 (MANE Select); coding-DNA positions 980 to 982, 3 bases deleted (TGA; older notation c.980_982delTGA).
Protein change: p.Met327del; deletes methionine 327.
Molecular consequence: inframe deletion. On other transcripts: non-coding transcript variant (1).
Genome position (GRCh38, 1-based): chr10:63,215,296-63,215,298, TCA deleted on the plus strand (TGA on the coding strand, the reverse complement: JMJD1C is on the minus strand); deleting any 3 consecutive bases within chr10:63,215,296-63,215,300 gives the same sequence; the c. name uses the placement nearest the transcript's 3' end. VCF-style (leftmost placement, unchanged base first): chr10-63215295-TTCA-T. GRCh37 (hg19) VCF-style: chr10-64975055-TTCA-T.
Other names: c.434_436del, p.Met145del (NM_001282948.2, NM_001318154.2); c.116_118del, p.Met39del (NM_001318153.2); c.866_868del, p.Met289del (NM_001322252.2); c.323_325del, p.Met108del (NM_001322254.2, NM_001322258.2); short protein forms M327del, M108del, M145del, M39del, M289del.
Identifiers: ClinVar variation 836627 (VCV000836627.9), dbSNP rs1460431975, ClinGen allele CA594255231.
Genomic context (GRCh38, chr10:63,215,295, plus strand): 5'-TTCCCTTAAAAAAAAAAGTGGGTCCTACCTCCTCGTGATATATAATCATATTTTTCCTCC[TTCA>T]TCTTCTCTTCATCTGGTATACTGCTATCTGAGCCCTTCCTCTTATTTGGACGGATACTTC-3'